The following is an entry in ClinVar:

NM_001024630.4(RUNX2):c.901C>T (p.Gln301Ter)

Gene: RUNX2 (RUNX family transcription factor 2; plus strand). Cytogenetic location: 6p21.1.
Variant type: single nucleotide variant.
Coding change: c.901C>T on transcript NM_001024630.4 (MANE Select); coding-DNA position 901, C replaced by T.
Protein change: p.Gln301Ter; replaces glutamine 301 with a stop codon.
Molecular consequence: nonsense.
Genome position (GRCh38, 1-based): chr6:45,512,287, C>T. VCF-style: chr6-45512287-C-T. GRCh37 (hg19) VCF-style: chr6-45480024-C-T.
Other names: c.901C>T, p.Gln301Ter (NM_001015051.4); c.859C>T, p.Gln287Ter (NM_001278478.2, NM_001369405.1); short protein forms Q287*, Q301*.
Identifiers: ClinVar variation 1185698 (VCV001185698.2), dbSNP rs758120505, ClinGen allele CA363955914.

ClinVar aggregate classification (germline): Pathogenic (1 of 4 stars; one submission).

Conditions:
Cleidocranial dysostosis (CLCD1). Also called: cleidocranial dysplasia 1; Cleidocranial Dysplasia Spectrum Disorder; Marie-Sainton disease. Identifiers: Orphanet 1452, MedGen C0008928, MONDO:0007340, OMIM 119600.

Submission:

Center of Excellence in Precision Medicine and Digital Health (CEPMDH), Faculty of Dentistry, Chulalongkorn University
Classification: Pathogenic for Cleidocranial dysostosis. Review status: criteria provided, single submitter. Criteria: ACMG Guidelines, 2015. Collection method: clinical testing. Allele origin: germline. Inheritance: Autosomal dominant inheritance. Affected: yes. Observed: 1 variant allele, 1 heterozygote.
Comment: The variant is classified as pathogenic by ACMG guideline. Truncated variants in RUNX2 were previously reported to be associated with cleidocranial dysplasia (Gao X et al., 2019).